The following is an entry in ClinVar:

NM_001033855.3(DCLRE1C):c.1552T>A (p.Ser518Thr)

Gene: DCLRE1C (DNA cross-link repair 1C; minus strand). Cytogenetic location: 10p13.
Variant type: single nucleotide variant.
Coding change: c.1552T>A on transcript NM_001033855.3 (MANE Select); coding-DNA position 1552, T replaced by A.
Protein change: p.Ser518Thr; replaces serine 518 with threonine.
Molecular consequence: missense variant. On other transcripts: non-coding transcript variant (4).
Genome position (GRCh38, 1-based): chr10:14,908,935, A>T on the plus strand (T>A on the coding strand, the complement: DCLRE1C is on the minus strand). VCF-style: chr10-14908935-A-T. GRCh37 (hg19) VCF-style: chr10-14950934-A-T.
Other names: c.1192T>A, p.Ser398Thr (NM_001033857.3, NM_001033858.3, NM_001289077.2 and 2 more transcripts); c.1207T>A, p.Ser403Thr (NM_001289076.2, NM_001289078.2, NM_001350966.2 and 1 more transcripts); c.1552T>A, p.Ser518Thr (NM_001350965.2); short protein forms S403T, S398T, S518T.
Identifiers: ClinVar variation 1960785 (VCV001960785.2), dbSNP rs2491628734, ClinGen allele CA376075341.

ClinVar aggregate classification (germline): Uncertain significance (1 of 4 stars; one submission).

Conditions:
Severe combined immunodeficiency due to DCLRE1C deficiency (RS-SCID). Also called: SCID, AUTOSOMAL RECESSIVE, T CELL-NEGATIVE, B CELL-NEGATIVE, NK CELL-POSITIVE, WITH SENSITIVITY TO IONIZING RADIATION. Identifiers: Orphanet 275, MedGen C1865371, MONDO:0011225, OMIM 602450.

Allele frequency attached by ClinVar (database versions not stated): gnomAD exomes below 0.00001.
gnomAD v4.1: 7 of 1,614,170 alleles (0.00043%); highest among the groups gnomAD compares: Non-Finnish European, 0.00059%; no homozygotes.

Submission:

Labcorp Genetics (formerly Invitae), Labcorp
Classification: Uncertain significance for Athabaskan severe combined immunodeficiency. Last evaluated: 2022-07-19. Review status: criteria provided, single submitter. Criteria: Invitae Variant Classification Sherloc (09022015). Collection method: clinical testing. Allele origin: germline.
Comment: This sequence change replaces serine, which is neutral and polar, with threonine, which is neutral and polar, at codon 518 of the DCLRE1C protein (p.Ser518Thr). This variant is not present in population databases (gnomAD no frequency). This variant has not been reported in the literature in individuals affected with DCLRE1C-related conditions. Algorithms developed to predict the effect of missense changes on protein structure and function are either unavailable or do not agree on the potential impact of this missense change (SIFT: "Tolerated"; PolyPhen-2: "Possibly Damaging"; Align-GVGD: "Class C0"). In summary, the available evidence is currently insufficient to determine the role of this variant in disease. Therefore, it has been classified as a Variant of Uncertain Significance.